The following is an entry in ClinVar:

ClinVar aggregate classification (germline): Pathogenic (3 of 4 stars; one submission).

Conditions:
Glanzmann thrombasthenia. Also called: THROMBASTHENIA OF GLANZMANN AND NAEGELI; BLEEDING DISORDER, PLATELET-TYPE, 2; Thrombasthenia; PLATELET GLYCOPROTEIN IIb-IIIa DEFICIENCY; Glanzmann's thrombasthenia. Identifiers: Orphanet 849, MedGen C0040015, MONDO:0100326.

Submission:

ClinGen Platelet Disorders Variant Curation Expert Panel, ClinGen
Classification: Pathogenic for Glanzmann thrombasthenia. Last evaluated: 2021-07-14. Review status: reviewed by expert panel. Criteria: ClinGen Platelet ACMG Specifications v2. Collection method: curation. Allele origin: germline. Inheritance: Autosomal recessive inheritance.
Comment: The ITGB3 frameshift variant NM_000212.3:c.153del (p.Trp51CysfsTer16) introduces a frameshift in exon 2 of 15 total exons and a premature termination codon in exon 3. The resulting mRNA product is predicted to undergo nonsense mediated decay, leading to loss of normal protein function. This variant has been observed in homozygosity in one individual with a phenotype specific for Glanzmann's thrombasthenia (GT) (GT07, PMID: 16463284). Furthermore, this variant is absent from population databases. In summary, this variant meets criteria to be classified as pathogenic for GT. GT-specific criteria applied: PVS1, PM3_Supporting, PP4_Moderate, and PM2_Supporting.

NM_000212.3(ITGB3):c.153del (p.Trp51fs)

Gene: ITGB3 (integrin subunit beta 3; plus strand). Cytogenetic location: 17q21.32.
Variant type: Deletion.
Coding change: c.153del on transcript NM_000212.3 (MANE Select); coding-DNA position 153, one base deleted (G; older notation c.153delG).
Protein change: p.Trp51fs; shifts the reading frame from tryptophan 51.
Molecular consequence: frameshift variant.
Genome position (GRCh38, 1-based): chr17:47,274,492, G deleted; the last of 2 consecutive G bases (chr17:47,274,491-47,274,492); deleting either gives the same sequence. VCF-style (leftmost placement, unchanged base first): chr17-47274490-TG-T. GRCh37 (hg19) VCF-style: chr17-45351856-TG-T.
Other names: NM_000212.3:c.153del; short protein forms W51fs.
Identifiers: ClinVar variation 1330352 (VCV001330352.1), dbSNP rs2143068680, ClinGen allele CA915940728.